The following is an entry in ClinVar:

NM_001113378.2(FANCI):c.3664A>C (p.Ser1222Arg)

Gene: FANCI (FA complementation group I; plus strand). Cytogenetic location: 15q26.1.
Variant type: single nucleotide variant.
Coding change: c.3664A>C on transcript NM_001113378.2 (MANE Select); coding-DNA position 3664, A replaced by C.
Protein change: p.Ser1222Arg; replaces serine 1222 with arginine.
Molecular consequence: missense variant.
Genome position (GRCh38, 1-based): chr15:89,312,916, A>C. VCF-style: chr15-89312916-A-C. GRCh37 (hg19) VCF-style: chr15-89856147-A-C.
Other names: c.3385A>C, p.Ser1129Arg (NM_001376910.1); c.3664A>C, p.Ser1222Arg (NM_001376911.1); c.3484A>C, p.Ser1162Arg (NM_018193.3); short protein forms S1129R, S1222R, S1162R.
Identifiers: ClinVar variation 3658210 (VCV003658210.2).

ClinVar aggregate classification (germline): Uncertain significance (1 of 4 stars; one submission).

Conditions:
Fanconi anemia (FA). Also called: Fanconi's anemia. Identifiers: Orphanet 84, MedGen C0015625, MeSH D005199, MONDO:0019391.

Submission:

Labcorp Genetics (formerly Invitae), Labcorp
Classification: Uncertain significance for Fanconi anemia. Last evaluated: 2024-06-29. Review status: criteria provided, single submitter. Criteria: Invitae Variant Classification Sherloc (09022015). Collection method: clinical testing. Allele origin: germline.
Comment: This sequence change replaces serine, which is neutral and polar, with arginine, which is basic and polar, at codon 1222 of the FANCI protein (p.Ser1222Arg). This variant is not present in population databases (gnomAD no frequency). This variant has not been reported in the literature in individuals affected with FANCI-related conditions. Advanced modeling of protein sequence and biophysical properties (such as structural, functional, and spatial information, amino acid conservation, physicochemical variation, residue mobility, and thermodynamic stability) performed at Invitae indicates that this missense variant is expected to disrupt FANCI protein function with a positive predictive value of 80%. In summary, the available evidence is currently insufficient to determine the role of this variant in disease. Therefore, it has been classified as a Variant of Uncertain Significance.